The following is an entry in ClinVar:

ClinVar aggregate classification (germline): Uncertain significance (1 of 4 stars; one submission).

gnomAD v4.1: 51 of 1,614,108 alleles (0.0032%); highest among the groups gnomAD compares: East Asian, 0.062%; no homozygotes.

Submission:

GeneDx
Classification: Uncertain significance. Last evaluated: 2023-11-17. Review status: criteria provided, single submitter. Criteria: GeneDx Variant Classification Process June 2021. Collection method: clinical testing. Allele origin: germline. Affected: yes.
Comment: In silico analysis supports that this missense variant does not alter protein structure/function; This variant is associated with the following publications: (PMID: 32319661)

NM_003235.5(TG):c.5212G>A (p.Val1738Ile)

Gene: TG (thyroglobulin; plus strand). Cytogenetic location: 8q24.22.
Variant type: single nucleotide variant.
Coding change: c.5212G>A on transcript NM_003235.5 (MANE Select); coding-DNA position 5212, G replaced by A.
Protein change: p.Val1738Ile; replaces valine 1738 with isoleucine.
Molecular consequence: missense variant.
Genome position (GRCh38, 1-based): chr8:132,941,521, G>A. VCF-style: chr8-132941521-G-A. GRCh37 (hg19) VCF-style: chr8-133953766-G-A.
Other names: short protein forms V1738I.
Identifiers: ClinVar variation 3343871 (VCV003343871.1).